The following is an entry in ClinVar:

ClinVar aggregate classification (germline): Uncertain significance (1 of 4 stars; one submission).

Conditions:
Epileptic encephalopathy. Identifiers: MedGen C0543888, HP:0200134.

Allele frequency attached by ClinVar (database versions not stated): gnomAD exomes 0.00010.
gnomAD v4.1: 1 of 988,538 alleles (0.0001%); highest among the groups gnomAD compares: Non-Finnish European, 0.00012%; no homozygotes.

Submission:

Labcorp Genetics (formerly Invitae), Labcorp
Classification: Uncertain significance for Epileptic encephalopathy. Last evaluated: 2022-09-26. Review status: criteria provided, single submitter. Criteria: Invitae Variant Classification Sherloc (09022015). Collection method: clinical testing. Allele origin: germline.
Comment: This sequence change replaces proline, which is neutral and non-polar, with threonine, which is neutral and polar, at codon 4 of the GABBR2 protein (p.Pro4Thr). The frequency data for this variant in the population databases is considered unreliable, as metrics indicate insufficient coverage at this position in the gnomAD database. This variant has not been reported in the literature in individuals affected with GABBR2-related conditions. Algorithms developed to predict the effect of missense changes on protein structure and function are either unavailable or do not agree on the potential impact of this missense change (SIFT: "Tolerated"; PolyPhen-2: "Not Available"; Align-GVGD: "Class C0"). In summary, the available evidence is currently insufficient to determine the role of this variant in disease. Therefore, it has been classified as a Variant of Uncertain Significance.

NM_005458.8(GABBR2):c.10C>A (p.Pro4Thr)

Gene: GABBR2 (gamma-aminobutyric acid type B receptor subunit 2; minus strand). Cytogenetic location: 9q22.33.
Variant type: single nucleotide variant.
Coding change: c.10C>A on transcript NM_005458.8 (MANE Select); coding-DNA position 10, C replaced by A.
Protein change: p.Pro4Thr; replaces proline 4 with threonine.
Molecular consequence: missense variant.
Genome position (GRCh38, 1-based): chr9:98,708,728, G>T on the plus strand (C>A on the coding strand, the complement: GABBR2 is on the minus strand). VCF-style: chr9-98708728-G-T. GRCh37 (hg19) VCF-style: chr9-101471010-G-T.
Other names: short protein forms P4T.
Identifiers: ClinVar variation 2016859 (VCV002016859.4), dbSNP rs2490288897, ClinGen allele CA374213014.